The following is an entry in ClinVar:

NC_012920.1(MT-ND5):m.13106T>C

Gene: MT-ND5 (mitochondrially encoded NADH dehydrogenase 5; plus strand).
Variant type: single nucleotide variant.
Genome position: chrM-13106-T-C.
Identifiers: ClinVar variation 693520 (VCV000693520.1), dbSNP rs1603224035, ClinGen allele CA414816563.

ClinVar aggregate classification (germline): Uncertain significance (1 of 4 stars; one submission).

Conditions:
Leigh syndrome (NULS). Also called: Leigh's necrotizing encephalopathy; Leigh's disease; Leigh Syndrome (mtDNA deletion); Leigh Disease; Subacute necrotizing encephalopathy; Necrotizing encephalopathy infantile subacute of Leigh. Identifiers: Orphanet 506, MedGen C2931891, MONDO:0009723, OMIM 256000.

Submission:

Wong Mito Lab, Molecular and Human Genetics, Baylor College of Medicine
Classification: Uncertain significance for Leigh syndrome. Last evaluated: 2019-10-17. Review status: criteria provided, single submitter. Criteria: Modified ACMG Guidelines (Unpublished). Collection method: clinical testing. Allele origin: germline.
Comment: The NC_012920.1:m.13106T>C (YP_003024036.1:p.Ile257Thr) variant in MTND5 gene is interpretated to be a Uncertain Significance variant based on the modified ACMG guidelines (unpublished). This variant meets the following evidence codes: PP7, BP4